The following is an entry in ClinVar:

ClinVar aggregate classification (germline): Uncertain significance. Review status: criteria provided, multiple submitters, no conflicts (2 of 4 stars). 2 submissions from 2 submitters: Uncertain significance (2). Last evaluated 2026-02-24.

Conditions:
Hereditary cancer-predisposing syndrome. Also called: Tumor predisposition; Hereditary neoplastic syndrome; Hereditary Cancer Syndrome; Neoplastic Syndromes, Hereditary. Identifiers: Orphanet 140162, MedGen C0027672, MeSH D009386, MONDO:0015356.

gnomAD v4.1: 3 of 1,614,244 alleles (0.00019%); highest among the groups gnomAD compares: South Asian, 0.0011%; no homozygotes.

Submissions (2):

Ambry Genetics
Classification: Uncertain significance for Hereditary cancer-predisposing syndrome. Last evaluated: 2026-02-24. Review status: criteria provided, single submitter. Criteria: Ambry Variant Classification Scheme 2023. Collection method: clinical testing. Allele origin: germline.
Comment: The p.Y222S variant (also known as c.665A>C), located in coding exon 5 of the CTNNA1 gene, results from an A to C substitution at nucleotide position 665. The tyrosine at codon 222 is replaced by serine, an amino acid with dissimilar properties. This amino acid position is conserved. In addition, this alteration is predicted to be deleterious by in silico analysis. Based on the available evidence, the clinical significance of this variant remains unclear.

Labcorp Genetics (formerly Invitae), Labcorp
Classification: Uncertain significance. Last evaluated: 2025-11-24. Review status: criteria provided, single submitter. Criteria: Invitae Variant Classification Sherloc (09022015). Collection method: clinical testing. Allele origin: germline.
Comment: This sequence change replaces tyrosine, which is neutral and polar, with serine, which is neutral and polar, at codon 222 of the CTNNA1 protein (p.Tyr222Ser). This variant is present in population databases (rs755524897, gnomAD 0.003%). This variant has not been reported in the literature in individuals affected with CTNNA1-related conditions. ClinVar contains an entry for this variant (Variation ID: 943240). Invitae Evidence Modeling of protein sequence and biophysical properties (such as structural, functional, and spatial information, amino acid conservation, physicochemical variation, residue mobility, and thermodynamic stability) indicates that this missense variant is not expected to disrupt CTNNA1 protein function with a negative predictive value of 80%. In summary, the available evidence is currently insufficient to determine the role of this variant in disease. Therefore, it has been classified as a Variant of Uncertain Significance.

NM_001903.5(CTNNA1):c.665A>C (p.Tyr222Ser)

Gene: CTNNA1 (catenin alpha 1; plus strand). Cytogenetic location: 5q31.2.
Variant type: single nucleotide variant.
Coding change: c.665A>C on transcript NM_001903.5 (MANE Select); coding-DNA position 665, A replaced by C.
Protein change: p.Tyr222Ser; replaces tyrosine 222 with serine.
Molecular consequence: missense variant.
Genome position (GRCh38, 1-based): chr5:138,824,606, A>C. VCF-style: chr5-138824606-A-C. GRCh37 (hg19) VCF-style: chr5-138160295-A-C.
Other names: c.665A>C, p.Tyr222Ser (NM_001290307.3, NM_001323982.2, NM_001323983.1 and 3 more transcripts); c.356A>C, p.Tyr119Ser (NM_001290309.3); c.296A>C, p.Tyr99Ser (NM_001290310.3); c.665A>C (NM_001903.2); short protein forms Y119S, Y222S, Y99S.
Identifiers: ClinVar variation 943240 (VCV000943240.10), dbSNP rs755524897, ClinGen allele CA3431525.